The following is an entry in ClinVar:

ClinVar aggregate classification (germline): Uncertain significance (1 of 4 stars; one submission).

Conditions:
Cutis laxa, autosomal dominant 3 (ADCL3). Identifiers: Orphanet 90348, MedGen C4225268, MONDO:0014706, OMIM 616603.
Autosomal dominant spastic paraplegia type 9. Identifiers: MedGen C1832669, MONDO:0015091.
de Barsy syndrome. Also called: Cutis laxa-corneal clouding-oligophrenia syndrome. Identifiers: Orphanet 2962, MedGen C0268354, MONDO:0017569.

Submission:

Labcorp Genetics (formerly Invitae), Labcorp
Classification: Uncertain significance for Autosomal dominant spastic paraplegia type 9; de Barsy syndrome; Cutis laxa, autosomal dominant 3. Last evaluated: 2025-06-27. Review status: criteria provided, single submitter. Criteria: Invitae Variant Classification Sherloc (09022015). Collection method: clinical testing. Allele origin: germline.
Comment: This sequence change replaces phenylalanine, which is neutral and non-polar, with isoleucine, which is neutral and non-polar, at codon 352 of the ALDH18A1 protein (p.Phe352Ile). This variant is not present in population databases (gnomAD no frequency). This variant has not been reported in the literature in individuals affected with ALDH18A1-related conditions. Invitae Evidence Modeling of protein sequence and biophysical properties (such as structural, functional, and spatial information, amino acid conservation, physicochemical variation, residue mobility, and thermodynamic stability) has been performed for this missense variant. However, the output from this modeling did not meet the statistical confidence thresholds required to predict the impact of this variant on ALDH18A1 protein function. In summary, the available evidence is currently insufficient to determine the role of this variant in disease. Therefore, it has been classified as a Variant of Uncertain Significance.

NM_002860.4(ALDH18A1):c.1054T>A (p.Phe352Ile)

Gene: ALDH18A1 (aldehyde dehydrogenase 18 family member A1; minus strand). Cytogenetic location: 10q24.1.
Variant type: single nucleotide variant.
Coding change: c.1054T>A on transcript NM_002860.4 (MANE Select); coding-DNA position 1054, T replaced by A.
Protein change: p.Phe352Ile; replaces phenylalanine 352 with isoleucine.
Molecular consequence: missense variant.
Genome position (GRCh38, 1-based): chr10:95,627,466, A>T on the plus strand (T>A on the coding strand, the complement: ALDH18A1 is on the minus strand). VCF-style: chr10-95627466-A-T. GRCh37 (hg19) VCF-style: chr10-97387223-A-T.
Other names: c.1048T>A, p.Phe350Ile (NM_001017423.2, NM_001323415.2); c.721T>A, p.Phe241Ile (NM_001323412.2, NM_001323416.2); c.1054T>A, p.Phe352Ile (NM_001323413.2, NM_001323414.2); c.949T>A, p.Phe317Ile (NM_001323417.2); c.715T>A, p.Phe239Ile (NM_001323418.2); c.418T>A, p.Phe140Ile (NM_001323419.2); short protein forms F352I, F140I, F350I, F239I, F241I, F317I.
Identifiers: ClinVar variation 4792572 (VCV004792572.1).